The following is an entry in ClinVar:

ClinVar aggregate classification (germline): Likely benign. Review status: criteria provided, multiple submitters, no conflicts (2 of 4 stars). 2 submissions from 2 submitters: Likely benign (2). Last evaluated 2024-01-05.

Conditions:
Developmental and epileptic encephalopathy, 33 (DEE33). Also called: Epileptic encephalopathy, early infantile, 33. Identifiers: Orphanet 442835, MedGen C4225337, MONDO:0014625, OMIM 616409.

Allele frequency attached by ClinVar (database versions not stated): TOPMed below 0.00001; gnomAD 0.00001; gnomAD exomes 0.00001.
gnomAD v4.1: 14 of 1,612,594 alleles (0.00087%); highest among the groups gnomAD compares: Non-Finnish European, 0.0012%; no homozygotes.

Submissions (2):

Labcorp Genetics (formerly Invitae), Labcorp
Classification: Likely benign for Developmental and epileptic encephalopathy, 33. Last evaluated: 2024-01-05. Review status: criteria provided, single submitter. Criteria: Invitae Variant Classification Sherloc (09022015). Collection method: clinical testing. Allele origin: germline.

GeneDx
Classification: Likely benign. Last evaluated: 2017-03-21. Review status: criteria provided, single submitter. Criteria: GeneDx Variant Classification (06012015). Collection method: clinical testing. Allele origin: germline. Affected: yes.
Comment: This variant is considered likely benign or benign based on one or more of the following criteria: it is a conservative change, it occurs at a poorly conserved position in the protein, it is predicted to be benign by multiple in silico algorithms, and/or has population frequency not consistent with disease.

NM_001958.5(EEF1A2):c.1065C>T (p.Ala355=)

Gene: EEF1A2 (eukaryotic translation elongation factor 1 alpha 2; minus strand). Cytogenetic location: 20q13.33.
Variant type: single nucleotide variant.
Coding change: c.1065C>T on transcript NM_001958.5 (MANE Select); coding-DNA position 1065, C replaced by T.
Protein change: p.Ala355=; no amino-acid change (alanine 355 retained).
Molecular consequence: synonymous variant.
Genome position (GRCh38, 1-based): chr20:63,489,117, G>A on the plus strand (C>T on the coding strand, the complement: EEF1A2 is on the minus strand). VCF-style: chr20-63489117-G-A. GRCh37 (hg19) VCF-style: chr20-62120470-G-A.
Identifiers: ClinVar variation 508281 (VCV000508281.10), dbSNP rs998259316, ClinGen allele CA317436418.